The following is an entry in ClinVar:

ClinVar aggregate classification (germline): Uncertain significance. Review status: criteria provided, multiple submitters, no conflicts (2 of 4 stars). 2 submissions from 2 submitters: Uncertain significance (2). Last evaluated 2025-03-30.

Conditions:
Inborn genetic diseases. Identifiers: MedGen C0950123, MeSH D030342.
Ullrich congenital muscular dystrophy 2 (UCMD2). Identifiers: Orphanet 75840, MedGen C4225314, MONDO:0014654, OMIM 616470.
Bethlem myopathy 2 (BTHLM2). Identifiers: Orphanet 536516, Orphanet 610, MedGen C4225313, MONDO:0034022, OMIM 616471.

Allele frequency attached by ClinVar (database versions not stated): TOPMed below 0.00001.
gnomAD v4.1: 7 of 1,613,880 alleles (0.00043%); highest among the groups gnomAD compares: South Asian, 0.0011%; no homozygotes.

Submissions (2):

Ambry Genetics
Classification: Uncertain significance for Inborn genetic diseases. Last evaluated: 2025-03-30. Review status: criteria provided, single submitter. Criteria: Ambry Variant Classification Scheme 2023. Collection method: clinical testing. Allele origin: germline.

Labcorp Genetics (formerly Invitae), Labcorp
Classification: Uncertain significance for Bethlem myopathy 2; Ullrich congenital muscular dystrophy 2. Last evaluated: 2024-10-17. Review status: criteria provided, single submitter. Criteria: Invitae Variant Classification Sherloc (09022015). Collection method: clinical testing. Allele origin: germline.
Comment: This sequence change replaces serine, which is neutral and polar, with leucine, which is neutral and non-polar, at codon 1049 of the COL12A1 protein (p.Ser1049Leu). This variant is not present in population databases (gnomAD no frequency). This variant has not been reported in the literature in individuals affected with COL12A1-related conditions. ClinVar contains an entry for this variant (Variation ID: 1502000). Invitae Evidence Modeling of protein sequence and biophysical properties (such as structural, functional, and spatial information, amino acid conservation, physicochemical variation, residue mobility, and thermodynamic stability) indicates that this missense variant is not expected to disrupt COL12A1 protein function with a negative predictive value of 80%. In summary, the available evidence is currently insufficient to determine the role of this variant in disease. Therefore, it has been classified as a Variant of Uncertain Significance.

NM_004370.6(COL12A1):c.3146C>T (p.Ser1049Leu)

Gene: COL12A1 (collagen type XII alpha 1 chain; minus strand). Cytogenetic location: 6q13.
Variant type: single nucleotide variant.
Coding change: c.3146C>T on transcript NM_004370.6 (MANE Select); coding-DNA position 3146, C replaced by T.
Protein change: p.Ser1049Leu; replaces serine 1049 with leucine.
Molecular consequence: missense variant. On other transcripts: intron variant (1).
Genome position (GRCh38, 1-based): chr6:75,156,361, G>A on the plus strand (C>T on the coding strand, the complement: COL12A1 is on the minus strand). VCF-style: chr6-75156361-G-A. GRCh37 (hg19) VCF-style: chr6-75866077-G-A.
Other names: c.74-3879C>T (NM_080645.3); c.3146C>T (NM_004370.5); short protein forms S1049L.
Identifiers: ClinVar variation 1502000 (VCV001502000.7), dbSNP rs772210650, ClinGen allele CA364753870.